The following is an entry in ClinVar:

NM_001349.4(DARS1):c.301A>T (p.Met101Leu)

Gene: DARS1 (aspartyl-tRNA synthetase 1; minus strand). Cytogenetic location: 2q21.3.
Variant type: single nucleotide variant.
Coding change: c.301A>T on transcript NM_001349.4 (MANE Select); coding-DNA position 301, A replaced by T.
Protein change: p.Met101Leu; replaces methionine 101 with leucine.
Molecular consequence: missense variant. On other transcripts: initiator codon variant (1).
Genome position (GRCh38, 1-based): chr2:135,961,415, T>A on the plus strand (A>T on the coding strand, the complement: DARS1 is on the minus strand). VCF-style: chr2-135961415-T-A. GRCh37 (hg19) VCF-style: chr2-136718985-T-A.
Other names: p.Met101Leu; c.301A>T (NM_001349.2); c.1A>T, p.Met1Leu (NM_001293312.1); short protein forms M101L, M1L.
Identifiers: ClinVar variation 445757 (VCV000445757.12), dbSNP rs138416697, ClinGen allele CA1889874.
Genomic context (GRCh38, chr2:135,961,415, plus strand): 5'-CCATTGTTTATTCTGACAACAGGATATAATTGCTTACTTACTTGGCAGCAAATTTAACCA[T>A]CTGCTTGCTTGCATGGTCTCCCACCGCCACAAGAGCCTGGACATTAAACTGCTGCTGACG-3'
Protein context (NP_001340.2, residues 91-111): VAVGDHASKQ[Met101Leu]VKFAANINKE

ClinVar aggregate classification (germline): Uncertain significance. Review status: criteria provided, multiple submitters, no conflicts (2 of 4 stars). 5 submissions from 5 submitters: Uncertain significance (5). Last evaluated 2025-09-01.

Conditions:
Inborn genetic diseases. Identifiers: MedGen C0950123, MeSH D030342.

Allele frequency attached by ClinVar (database versions not stated): TOPMed 0.00007; ESP Exome Variant Server 0.00008; gnomAD 0.00008 and 0.00009; gnomAD exomes 0.00012; ExAC 0.00018; 1000 Genomes Project 30x 0.00031; 1000 Genomes Project 0.00040.

Submissions (5):

CeGaT Center for Human Genetics Tuebingen
Classification: Uncertain significance. Last evaluated: 2025-09-01. Review status: criteria provided, single submitter. Criteria: CeGaT Center For Human Genetics Tuebingen Variant Classification Criteria Version 2. Collection method: clinical testing. Allele origin: germline. Affected: yes. Observed: 1 variant allele.
Comment: DARS1: PM2, PP3

Ambry Genetics
Classification: Uncertain significance for Inborn genetic diseases. Last evaluated: 2025-08-01. Review status: criteria provided, single submitter. Criteria: Ambry Variant Classification Scheme 2023. Collection method: clinical testing. Allele origin: germline.

Mayo Clinic Laboratories, Mayo Clinic
Classification: Uncertain significance. Last evaluated: 2025-02-02. Review status: criteria provided, single submitter. Criteria: ACMG Guidelines, 2015. Collection method: clinical testing. Allele origin: germline. Observed: 1 variant allele.

Blueprint Genetics
Classification: Uncertain significance. Last evaluated: 2024-09-12. Review status: criteria provided, single submitter. Criteria: ACMG Guidelines, 2015. Collection method: clinical testing. Allele origin: germline.

Center for Pediatric Genomic Medicine, Children's Mercy Hospital and Clinics
Classification: Uncertain significance. Last evaluated: 2017-05-19. Review status: criteria provided, single submitter. Criteria: ACMG Guidelines, 2015. Collection method: clinical testing. Allele origin: germline.